The following is an entry in ClinVar:

ClinVar aggregate classification (germline): Uncertain significance. Review status: criteria provided, multiple submitters, no conflicts (2 of 4 stars). 2 submissions from 2 submitters: Uncertain significance (2). Last evaluated 2025-01-05.

Conditions:
Hereditary cancer-predisposing syndrome. Also called: Tumor predisposition; Hereditary neoplastic syndrome; Neoplastic Syndromes, Hereditary; Hereditary Cancer Syndrome. Identifiers: Orphanet 140162, MedGen C0027672, MeSH D009386, MONDO:0015356.
Carney complex, type 1 (CNC1). Also called: CARNEY COMPLEX, TYPE I; CARNEY MYXOMA-ENDOCRINE COMPLEX. Identifiers: Orphanet 1359, MedGen C2607929, MONDO:0008057, OMIM 160980.

Submissions (2):

Ambry Genetics
Classification: Uncertain significance for Hereditary cancer-predisposing syndrome. Last evaluated: 2025-01-05. Review status: criteria provided, single submitter. Criteria: Ambry Variant Classification Scheme 2023. Collection method: clinical testing. Allele origin: germline.
Comment: The p.R56K variant (also known as c.167G>A), located in coding exon 1 of the PRKAR1A gene, results from a G to A substitution at nucleotide position 167. The arginine at codon 56 is replaced by lysine, an amino acid with highly similar properties. This amino acid position is conserved. In addition, this alteration is predicted to be tolerated by in silico analysis. Based on the available evidence, the clinical significance of this variant remains unclear.

St. Jude Molecular Pathology, St. Jude Children's Research Hospital
Classification: Uncertain significance for Carney complex, type 1. Last evaluated: 2024-08-24. Review status: criteria provided, single submitter. Criteria: St. Jude Assertion Criteria 2020. Collection method: clinical testing. Allele origin: germline.
Comment: The PRKAR1A c.167G>A (p.Arg56Lys) missense change is absent in gnomAD v2.1.1. The in silico tool REVEL predicts a benign effect on protein function, but to our knowledge this prediction has not been confirmed by functional studies. To our knowledge, this variant has not been reported in individuals with Carney complex. In summary, the evidence currently available is insufficient to determine the clinical significance of this variant. It has therefore been classified as of uncertain significance.

NM_002734.5(PRKAR1A):c.167G>A (p.Arg56Lys)

Gene: PRKAR1A (protein kinase cAMP-dependent type I regulatory subunit alpha; plus strand). Cytogenetic location: 17q24.2.
Variant type: single nucleotide variant.
Coding change: c.167G>A on transcript NM_002734.5 (MANE Select); coding-DNA position 167, G replaced by A.
Protein change: p.Arg56Lys; replaces arginine 56 with lysine.
Molecular consequence: missense variant.
Genome position (GRCh38, 1-based): chr17:68,515,566, G>A. VCF-style: chr17-68515566-G-A. GRCh37 (hg19) VCF-style: chr17-66511707-G-A.
Other names: c.167G>A, p.Arg56Lys (NM_001276289.2, NM_001276290.1, NM_001278433.2 and 4 more transcripts); c.167G>A (NM_002734.3); short protein forms R56K.
Identifiers: ClinVar variation 3602689 (VCV003602689.2).